The following is an entry in ClinVar:

ClinVar aggregate classification (germline): Uncertain significance (1 of 4 stars; one submission).

Conditions:
FGFR2-related craniosynostosis. Identifiers: MedGen CN231480.

gnomAD v4.1: 25 of 1,614,054 alleles (0.0015%); highest among the groups gnomAD compares: Non-Finnish European, 0.002%; no homozygotes.

Submission:

Labcorp Genetics (formerly Invitae), Labcorp
Classification: Uncertain significance for FGFR2-related craniosynostosis. Last evaluated: 2024-12-19. Review status: criteria provided, single submitter. Criteria: Invitae Variant Classification Sherloc (09022015). Collection method: clinical testing. Allele origin: germline.
Comment: This sequence change replaces glutamine, which is neutral and polar, with lysine, which is basic and polar, at codon 43 of the FGFR2 protein (p.Gln43Lys). This variant is present in population databases (rs777638930, gnomAD 0.002%). This variant has not been reported in the literature in individuals affected with FGFR2-related conditions. Invitae Evidence Modeling of protein sequence and biophysical properties (such as structural, functional, and spatial information, amino acid conservation, physicochemical variation, residue mobility, and thermodynamic stability) has been performed for this missense variant. However, the output from this modeling did not meet the statistical confidence thresholds required to predict the impact of this variant on FGFR2 protein function. In summary, the available evidence is currently insufficient to determine the role of this variant in disease. Therefore, it has been classified as a Variant of Uncertain Significance.

NM_000141.5(FGFR2):c.127C>A (p.Gln43Lys)

Gene: FGFR2 (fibroblast growth factor receptor 2; minus strand). Cytogenetic location: 10q26.13.
Variant type: single nucleotide variant.
Coding change: c.127C>A on transcript NM_000141.5 (MANE Select); coding-DNA position 127, C replaced by A.
Protein change: p.Gln43Lys; replaces glutamine 43 with lysine.
Molecular consequence: missense variant. On other transcripts: intron variant (9).
Genome position (GRCh38, 1-based): chr10:121,565,687, G>T on the plus strand (C>A on the coding strand, the complement: FGFR2 is on the minus strand). VCF-style: chr10-121565687-G-T. GRCh37 (hg19) VCF-style: chr10-123325201-G-T.
Other names: c.127C>A, p.Gln43Lys (NM_001144913.1, NM_001144914.1, NM_001144917.2 and 3 more transcripts); c.110-14228C>A (NM_001144918.2, NM_001441091.1, NM_001441090.1 and 1 more transcripts); c.110-1108C>A (NM_001441089.1, NM_023029.3, NM_001441088.1 and 2 more transcripts); short protein forms Q43K.
Identifiers: ClinVar variation 3729436 (VCV003729436.2).